The following is an entry in ClinVar:

ClinVar aggregate classification (germline): Conflicting classifications of pathogenicity. Review status: criteria provided, conflicting classifications (1 of 4 stars). 3 submissions from 3 submitters: Uncertain significance (1); Likely benign (2). Last evaluated 2026-01-26.

Conditions:
Microcephaly 3, primary, autosomal recessive. Identifiers: Orphanet 2512, MedGen C1858108, MONDO:0011488, OMIM 604804.

Allele frequency attached by ClinVar (database versions not stated): gnomAD exomes 0.00042; ExAC 0.00055; gnomAD 0.00212 and 0.00224; ESP Exome Variant Server 0.00215; TOPMed 0.00221; 1000 Genomes Project 30x 0.00250; 1000 Genomes Project 0.00260.
gnomAD v4.1: 555 of 1,613,436 alleles (0.034%); highest among the groups gnomAD compares: African/African-American, 0.69%; 3 homozygotes.

Submissions (3):

Labcorp Genetics (formerly Invitae), Labcorp
Classification: Likely benign. Last evaluated: 2026-01-26. Review status: criteria provided, single submitter. Criteria: Invitae Variant Classification Sherloc (09022015). Collection method: clinical testing. Allele origin: germline.

GeneDx
Classification: Likely benign. Last evaluated: 2017-04-14. Review status: criteria provided, single submitter. Criteria: GeneDx Variant Classification (06012015). Collection method: clinical testing. Allele origin: germline. Affected: yes.
Comment: This variant is considered likely benign or benign based on one or more of the following criteria: it is a conservative change, it occurs at a poorly conserved position in the protein, it is predicted to be benign by multiple in silico algorithms, and/or has population frequency not consistent with disease.

Genetic Services Laboratory, University of Chicago
Classification: Uncertain significance for Microcephaly 3, primary, autosomal recessive. Last evaluated: 2013-07-05. Review status: criteria provided, single submitter. Criteria: ACMG Guidelines, 2007. Collection method: clinical testing. Allele origin: germline. Inheritance: Autosomal recessive inheritance.

NM_018249.6(CDK5RAP2):c.34G>C (p.Val12Leu)

Gene: CDK5RAP2 (CDK5 regulatory subunit associated protein 2; minus strand). Cytogenetic location: 9q33.2.
Variant type: single nucleotide variant.
Coding change: c.34G>C on transcript NM_018249.6 (MANE Select); coding-DNA position 34, G replaced by C.
Protein change: p.Val12Leu; replaces valine 12 with leucine.
Molecular consequence: missense variant. On other transcripts: non-coding transcript variant (5).
Genome position (GRCh38, 1-based): chr9:120,579,945, C>G on the plus strand (G>C on the coding strand, the complement: CDK5RAP2 is on the minus strand). VCF-style: chr9-120579945-C-G. GRCh37 (hg19) VCF-style: chr9-123342223-C-G.
Other names: c.34G>C, p.Val12Leu (NM_001011649.3, NM_001272039.2); short protein forms V12L.
Identifiers: ClinVar variation 158141 (VCV000158141.14), dbSNP rs146839668, ClinGen allele CA271205.